The following is an entry in ClinVar:

NM_001365536.1(SCN9A):c.3004G>A (p.Val1002Met)

Genes: SCN1A-AS1 (SCN1A and SCN9A antisense RNA 1; plus strand), SCN9A (sodium voltage-gated channel alpha subunit 9; minus strand). Cytogenetic location: 2q24.3.
Variant type: single nucleotide variant.
Coding change: c.3004G>A on transcript NM_001365536.1 (MANE Select); coding-DNA position 3004, G replaced by A.
Protein change: p.Val1002Met; replaces valine 1002 with methionine.
Molecular consequence: missense variant.
Genome position (GRCh38, 1-based): chr2:166,272,746, C>T on the plus strand (G>A on the coding strand, the complement: SCN9A is on the minus strand). VCF-style: chr2-166272746-C-T. GRCh37 (hg19) VCF-style: chr2-167129256-C-T.
Other names: c.2971G>A, p.Val991Met (NM_002977.4); short protein forms V1002M, V991M.
Identifiers: ClinVar variation 1035664 (VCV001035664.9), dbSNP rs4369876, ClinGen allele CA349074508.

ClinVar aggregate classification (germline): Uncertain significance (1 of 4 stars; one submission).

Conditions:
Generalized epilepsy with febrile seizures plus, type 7 (GEFSP7). Also called: GEFS+, TYPE 7. Identifiers: Orphanet 36387, MedGen C2751778, MONDO:0013470, OMIM 613863.
Neuropathy, hereditary sensory and autonomic, type 2A (HSAN2A). Also called: ACROOSTEOLYSIS, GIACCAI TYPE; ACROOSTEOLYSIS, NEUROGENIC; MORVAN DISEASE; NEUROPATHY, CONGENITAL SENSORY; NEUROPATHY, HEREDITARY SENSORY RADICULAR, AUTOSOMAL RECESSIVE; NEUROPATHY, HEREDITARY SENSORY, TYPE IIA. Identifiers: Orphanet 970, MedGen C2752089, MONDO:0024309, OMIM 201300.

gnomAD v4.1: 1 of 1,563,460 alleles (0.000064%); highest among the groups gnomAD compares: Non-Finnish European, 0.000086%; no homozygotes.

Submission:

Labcorp Genetics (formerly Invitae), Labcorp
Classification: Uncertain significance for Neuropathy, hereditary sensory and autonomic, type 2A; Generalized epilepsy with febrile seizures plus, type 7. Last evaluated: 2020-07-21. Review status: criteria provided, single submitter. Criteria: Invitae Variant Classification Sherloc (09022015). Collection method: clinical testing. Allele origin: germline.
Comment: In summary, the available evidence is currently insufficient to determine the role of this variant in disease. Therefore, it has been classified as a Variant of Uncertain Significance. Algorithms developed to predict the effect of missense changes on protein structure and function output the following: SIFT: "Deleterious"; PolyPhen-2: "Benign"; Align-GVGD: "Class C0". The methionine amino acid residue is found in multiple mammalian species, suggesting that this missense change does not adversely affect protein function. These predictions have not been confirmed by published functional studies and their clinical significance is uncertain. This variant has not been reported in the literature in individuals with SCN9A-related conditions. This variant is not present in population databases (ExAC no frequency). This sequence change replaces valine with methionine at codon 991 of the SCN9A protein (p.Val991Met). The valine residue is highly conserved and there is a small physicochemical difference between valine and methionine.